The following is an entry in ClinVar:

NM_000797.4(DRD4):c.-11C>T

Gene: DRD4 (dopamine receptor D4; plus strand). Cytogenetic location: 11p15.5.
Variant type: single nucleotide variant.
Coding change: c.-11C>T on transcript NM_000797.4 (MANE Select); 11 bases upstream of the start codon, C replaced by T.
Molecular consequence: 5 prime UTR variant.
Genome position (GRCh38, 1-based): chr11:637,294, C>T. VCF-style: chr11-637294-C-T. GRCh37 (hg19) VCF-style: chr11-637294-C-T.
Identifiers: ClinVar variation 2507404 (VCV002507404.1), dbSNP rs146680769, ClinGen allele CA5785515.

ClinVar aggregate classification (germline): Uncertain significance (1 of 4 stars; one submission).

Conditions:
Hereditary attention deficit-hyperactivity disorder. Also called: HYPERACTIVITY OF CHILDHOOD. Identifiers: MedGen CN324066, MONDO:0100518, OMIM 143465.

Allele frequency attached by ClinVar (database versions not stated): 1000 Genomes Project 0.04273; TOPMed 0.04276; ExAC 0.31395.
gnomAD v4.1: 61,832 of 1,196,094 alleles (5.2%); highest among the groups gnomAD compares: South Asian, 7.9%; 1,757 homozygotes.

Submission:

Clinical Genomics, Uppaluri K&H Personalized Medicine Clinic
Classification: Uncertain significance for Hereditary attention deficit-hyperactivity disorder. Review status: criteria provided, single submitter. Criteria: K &amp; H Uppaluri Personalized Medicine Clinic Variant Classification &amp; Assertion Criteria_Updated V.1. Collection method: clinical testing. Allele origin: germline. Inheritance: Autosomal dominant inheritance. Affected: yes. Observed: 1 heterozygote.
Comment: Potent mutations in Dopamine receptor uptake gene leads to decreased brain uptake of neuromodulator dopamine and are strongly associated with onset of Attention deficit hyperactivity disorder. However more evidence is required to confer the association of this particular rs146680769 with Attention deficit hyperactivity disorder.

Literature cited by the submitters: PubMed 20644990; PubMed 36211978; PubMed 10654656; PubMed 30099719; PubMed 25262643; PubMed 29781347.